The following is an entry in ClinVar:

ClinVar aggregate classification (germline): Pathogenic. Review status: criteria provided, single submitter (1 of 4 stars). 2 submissions from 2 submitters: Pathogenic (1). 1 of the submissions does not count toward it.

Conditions:
Polycystic kidney disease. Also called: Polycystic kidney dysplasia; Kidney, Polycystic. Identifiers: MedGen C0022680, MeSH D007690, MONDO:0020642, HP:0000113.
Polycystic kidney disease 2 (PKD2). Also called: Polycystic Kidney Disease 2, Autosomal Dominant; POLYCYSTIC KIDNEY DISEASE, ADULT, TYPE II; POLYCYSTIC KIDNEY DISEASE 2 WITH OR WITHOUT POLYCYSTIC LIVER DISEASE. Identifiers: MedGen C2751306, MONDO:0013131, OMIM 613095.

Submissions (2):

Juno Genomics, Hangzhou Juno Genomics, Inc
Classification: Pathogenic for Polycystic kidney disease 2. Review status: criteria provided, single submitter. Criteria: ACMG Guidelines, 2015. Collection method: clinical testing. Allele origin: germline. Affected: yes.
Comment: Absent from controls (or at extremely low frequency if recessive) in Genome Aggregation Database, Exome Sequencing Project, 1000 Genomes Project, or Exome Aggregation Consortium.;Null variant in a gene where loss of function (LOF) is a known mechanism of disease.;Patient's phenotype or family history is highly specific for a disease with a single genetic etiology.

Department of Pathology and Laboratory Medicine, Sinai Health System
Classification: Pathogenic for Polycystic Kidney disease. Review status: no assertion criteria provided. Collection method: clinical testing. Allele origin: unknown. Affected: yes. Study: The Canadian Open Genetics Repository (COGR). Not counted in ClinVar's aggregate classification.
Comment: The PKD2 p.Lys215Argfs*19 variant was not identified in the literature nor was it identified in the dbSNP, ClinVar, LOVD 3.0, ADPKD Mutation Database, or PKD1-LOVD databases. The variant was not identified in the following control databases: the Exome Aggregation Consortium (August 8th 2016) or the Genome Aggregation Database (Feb 27, 2017). The c.642_643dup variant is predicted to cause a frameshift, which alters the protein amino acid sequence beginning at codon 215 and leads to a premature stop codon at position 233. This alteration is then predicted to result in a truncated or absent protein and loss of function. Loss of function variants of the PKD2 gene are an established mechanism of disease in ADPKD and is the type of variant expected to cause the disorder. In summary, based on the above information, this variant meets our laboratoryâ€šÃ„Ã´s criteria to be classified as pathogenic.

NM_000297.4(PKD2):c.642_643dup (p.Lys215fs)

Gene: PKD2 (polycystin 2, transient receptor potential cation channel; plus strand). Cytogenetic location: 4q22.1.
Variant type: Microsatellite.
Coding change: c.642_643dup on transcript NM_000297.4 (MANE Select); coding-DNA positions 642 to 643, 2 bases duplicated (GA; older notation c.642_643dupGA).
Protein change: p.Lys215fs; shifts the reading frame from lysine 215.
Molecular consequence: frameshift variant. On other transcripts: non-coding transcript variant (1).
Genome position (GRCh38, 1-based): chr4:88,019,504-88,019,505, GA duplicated; duplicating any 2 consecutive bases within chr4:88,019,500-88,019,505 gives the same sequence; the c. name uses the placement nearest the transcript's 3' end. VCF-style (leftmost placement, unchanged base first): chr4-88019499-C-CGA. GRCh37 (hg19) VCF-style: chr4-88940651-C-CGA.
Other names: short protein forms K215fs.
Identifiers: ClinVar variation 997401 (VCV000997401.2), dbSNP rs1726676402, ClinGen allele CA1474567441.